The following is an entry in ClinVar:

ClinVar aggregate classification (germline): Uncertain significance (1 of 4 stars; one submission).

Conditions:
Duchenne muscular dystrophy (DMD). Also called: MUSCULAR DYSTROPHY, PSEUDOHYPERTROPHIC PROGRESSIVE, DUCHENNE TYPE; Duchenne Muscular Dystrophy (DMD). Identifiers: Orphanet 98896, MedGen C0013264, MONDO:0010679, OMIM 310200.

gnomAD v4.1: 1 of 1,208,238 alleles (0.000083%); highest among the groups gnomAD compares: Admixed American, 0.0022%; no homozygotes.

Submission:

Labcorp Genetics (formerly Invitae), Labcorp
Classification: Uncertain significance for Duchenne muscular dystrophy. Last evaluated: 2024-11-30. Review status: criteria provided, single submitter. Criteria: Invitae Variant Classification Sherloc (09022015). Collection method: clinical testing. Allele origin: germline.
Comment: This sequence change replaces lysine, which is basic and polar, with glutamine, which is neutral and polar, at codon 1215 of the DMD protein (p.Lys1215Gln). This variant is present in population databases (no rsID available, gnomAD 0.004%). This variant has not been reported in the literature in individuals affected with DMD-related conditions. Invitae Evidence Modeling of protein sequence and biophysical properties (such as structural, functional, and spatial information, amino acid conservation, physicochemical variation, residue mobility, and thermodynamic stability) indicates that this missense variant is not expected to disrupt DMD protein function with a negative predictive value of 95%. In summary, the available evidence is currently insufficient to determine the role of this variant in disease. Therefore, it has been classified as a Variant of Uncertain Significance.

NM_004006.3(DMD):c.3643A>C (p.Lys1215Gln)

Gene: DMD (dystrophin; minus strand). Cytogenetic location: Xp21.1.
Variant type: single nucleotide variant.
Coding change: c.3643A>C on transcript NM_004006.3 (MANE Select); coding-DNA position 3643, A replaced by C.
Protein change: p.Lys1215Gln; replaces lysine 1215 with glutamine.
Molecular consequence: missense variant.
Genome position (GRCh38, 1-based): chrX:32,448,599, T>G on the plus strand (A>C on the coding strand, the complement: DMD is on the minus strand). VCF-style: chrX-32448599-T-G. GRCh37 (hg19) VCF-style: chrX-32466716-T-G.
Other names: c.3619A>C, p.Lys1207Gln (NM_000109.4); c.3631A>C, p.Lys1211Gln (NM_004009.3); c.3274A>C, p.Lys1092Gln (NM_004010.3); short protein forms K1207Q, K1215Q, K1092Q, K1211Q.
Identifiers: ClinVar variation 3706771 (VCV003706771.2).